The following is an entry in ClinVar:

ClinVar aggregate classification (germline): Uncertain significance (1 of 4 stars; one submission).

gnomAD v4.1: 57 of 1,548,636 alleles (0.0037%); highest among the groups gnomAD compares: Middle Eastern, 0.2%; no homozygotes.

Submission:

Labcorp Genetics (formerly Invitae), Labcorp
Classification: Uncertain significance. Last evaluated: 2026-02-04. Review status: criteria provided, single submitter. Criteria: Invitae Variant Classification Sherloc (09022015). Collection method: clinical testing. Allele origin: germline.
Comment: This sequence change replaces arginine, which is basic and polar, with glycine, which is neutral and non-polar, at codon 1518 of the DCHS1 protein (p.Arg1518Gly). This variant is present in population databases (rs756570525, gnomAD 0.02%). This variant has not been reported in the literature in individuals affected with DCHS1-related conditions. ClinVar contains an entry for this variant (Variation ID: 1371195). Invitae Evidence Modeling of protein sequence and biophysical properties (such as structural, functional, and spatial information, amino acid conservation, physicochemical variation, residue mobility, and thermodynamic stability) has been performed for this missense variant. However, the output from this modeling did not meet the statistical confidence thresholds required to predict the impact of this variant on DCHS1 protein function. In summary, the available evidence is currently insufficient to determine the role of this variant in disease. Therefore, it has been classified as a Variant of Uncertain Significance.

NM_003737.4(DCHS1):c.4552C>G (p.Arg1518Gly)

Gene: DCHS1 (dachsous cadherin-related 1; minus strand). Cytogenetic location: 11p15.4.
Variant type: single nucleotide variant.
Coding change: c.4552C>G on transcript NM_003737.4 (MANE Select); coding-DNA position 4552, C replaced by G.
Protein change: p.Arg1518Gly; replaces arginine 1518 with glycine.
Molecular consequence: missense variant.
Genome position (GRCh38, 1-based): chr11:6,630,242, G>C on the plus strand (C>G on the coding strand, the complement: DCHS1 is on the minus strand). VCF-style: chr11-6630242-G-C. GRCh37 (hg19) VCF-style: chr11-6651473-G-C.
Other names: short protein forms R1518G.
Identifiers: ClinVar variation 1371195 (VCV001371195.9), dbSNP rs756570525, ClinGen allele CA5860326.